The following is an entry in ClinVar:

ClinVar aggregate classification (germline): Likely pathogenic. Review status: criteria provided, multiple submitters, no conflicts (2 of 4 stars). 2 submissions from 2 submitters: Likely pathogenic (2). Last evaluated 2023-12-22.

Conditions:
TRIO-related disorder. Also called: TRIO-related condition; TRIO-related disorders.

Allele frequency attached by ClinVar (database versions not stated): gnomAD exomes below 0.00001.
gnomAD v4.1: 1 of 1,606,858 alleles (0.000062%); no homozygotes.

Submissions (2):

Revvity Omics, Revvity
Classification: Likely pathogenic. Last evaluated: 2023-12-22. Review status: criteria provided, single submitter. Criteria: ACMG Guidelines, 2015. Collection method: clinical testing. Allele origin: germline.

Women's Health and Genetics/Laboratory Corporation of America, LabCorp
Classification: Likely pathogenic for TRIO-Related Disorders. Last evaluated: 2023-09-28. Review status: criteria provided, single submitter. Criteria: LabCorp Variant Classification Summary - May 2015. Collection method: clinical testing. Allele origin: germline.
Comment: Variant summary: TRIO c.3447+2T>C is located in a canonical splice-site and is predicted to affect mRNA splicing resulting in a significantly altered protein due to either exon skipping, shortening, or inclusion of intronic material. Several computational tools predict a significant impact on normal splicing: Three predict the variant abolishes a 5' splicing donor site. One predict the variant no significant impact on splicing. However, these predictions have yet to be confirmed by functional studies. The variant was absent in 241474 control chromosomes. To our knowledge, no occurrence of c.3447+2T>C in individuals affected with TRIO-Related Intellectual Disability and no experimental evidence demonstrating its impact on protein function have been reported. No submitters have cited clinical-significance assessments for this variant to ClinVar after 2014. Based on the evidence outlined above, the variant was classified as likely pathogenic.

NM_007118.4(TRIO):c.3447+2T>C

Gene: TRIO (trio Rho guanine nucleotide exchange factor; plus strand). Cytogenetic location: 5p15.2.
Variant type: single nucleotide variant.
Coding change: c.3447+2T>C on transcript NM_007118.4 (MANE Select); the canonical splice donor site of the intron after coding-DNA position 3447, T replaced by C.
Molecular consequence: splice donor variant.
Genome position (GRCh38, 1-based): chr5:14,378,129, T>C. VCF-style: chr5-14378129-T-C. GRCh37 (hg19) VCF-style: chr5-14378238-T-C.
Identifiers: ClinVar variation 2627350 (VCV002627350.2), dbSNP rs2532769281, ClinGen allele CA359221116.
Genomic context (GRCh38, chr5:14,378,129, plus strand): 5'-GGAAGAGACGGCTGGACCAGTGTCAGCAGTACGTGGTCTTTGAGAGGAGTGCCAAGCAGG[T>C]CAGTGCACACCTGGTGCCCAGCCTCCCCCTAAACTCCCGTGCTCACACCTGTCTCCACAG-3'